The following is an entry in ClinVar:

ClinVar aggregate classification (germline): Uncertain significance (1 of 4 stars; one submission).

gnomAD v4.1: 2 of 1,612,944 alleles (0.00012%); highest among the groups gnomAD compares: Non-Finnish European, 0.00017%; no homozygotes.

Submission:

GeneDx
Classification: Uncertain significance. Last evaluated: 2024-01-19. Review status: criteria provided, single submitter. Criteria: GeneDx Variant Classification Process June 2021. Collection method: clinical testing. Allele origin: germline. Affected: yes.
Comment: Not observed at significant frequency in large population cohorts (gnomAD); In silico analysis supports a deleterious effect on splicing; Has not been previously published as pathogenic or benign to our knowledge

NM_020774.4(MIB1):c.2050-8T>A

Gene: MIB1 (MIB E3 ubiquitin protein ligase 1; plus strand). Cytogenetic location: 18q11.2.
Variant type: single nucleotide variant.
Coding change: c.2050-8T>A on transcript NM_020774.4 (MANE Select); 8 bases into the intron before coding-DNA position 2050, T replaced by A.
Molecular consequence: intron variant.
Genome position (GRCh38, 1-based): chr18:21,844,084, T>A. VCF-style: chr18-21844084-T-A. GRCh37 (hg19) VCF-style: chr18-19424045-T-A.
Identifiers: ClinVar variation 3368032 (VCV003368032.1).
Genomic context (GRCh38, chr18:21,844,084, plus strand): 5'-CTTTAGATATGTTGAAGTTTCTTATGGATGTGGACACTTTGCCAAAATGAGACATCTTTC[T>A]CTTTTAGCTTTTGGTCCGTGCAGGTGCCAAGCTTGATATTCAGGATAAGGATGGGGATAC-3'